The following is an entry in ClinVar:

ClinVar aggregate classification (germline): Benign (1 of 4 stars; one submission).

Allele frequency attached by ClinVar (database versions not stated): gnomAD 0.17827 and 0.18390; 1000 Genomes Project 0.12660; 1000 Genomes Project 30x 0.12758; TOPMed 0.17382.

Submission:

GeneDx
Classification: Benign. Last evaluated: 2018-06-18. Review status: criteria provided, single submitter. Criteria: GeneDx Variant Classification (06012015). Collection method: clinical testing. Allele origin: germline. Affected: yes.
Comment: This variant is considered likely benign or benign based on one or more of the following criteria: it is a conservative change, it occurs at a poorly conserved position in the protein, it is predicted to be benign by multiple in silico algorithms, and/or has population frequency not consistent with disease.

NM_001018005.1(TPM1):c.-341G>C

Gene: TPM1 (tropomyosin 1; plus strand). Cytogenetic location: 15q22.2.
Variant type: single nucleotide variant.
Coding change: c.-341G>C on transcript NM_001018005.1; 341 bases upstream of the start codon, G replaced by C.
Genome position (GRCh38, 1-based): chr15:63,042,489, G>C. VCF-style: chr15-63042489-G-C. GRCh37 (hg19) VCF-style: chr15-63334688-G-C.
Identifiers: ClinVar variation 668767 (VCV000668767.3), dbSNP rs35829897, ClinGen allele CA14133905.